The following is an entry in ClinVar:

ClinVar aggregate classification (germline): Uncertain significance (1 of 4 stars; one submission).

Submission:

Labcorp Genetics (formerly Invitae), Labcorp
Classification: Uncertain significance. Last evaluated: 2024-10-05. Review status: criteria provided, single submitter. Criteria: Invitae Variant Classification Sherloc (09022015). Collection method: clinical testing. Allele origin: germline.
Comment: This sequence change replaces methionine, which is neutral and non-polar, with isoleucine, which is neutral and non-polar, at codon 3681 of the RNF213 protein (p.Met3681Ile). This variant is not present in population databases (gnomAD no frequency). This variant has not been reported in the literature in individuals affected with RNF213-related conditions. Invitae Evidence Modeling of protein sequence and biophysical properties (such as structural, functional, and spatial information, amino acid conservation, physicochemical variation, residue mobility, and thermodynamic stability) indicates that this missense variant is not expected to disrupt RNF213 protein function with a negative predictive value of 95%. In summary, the available evidence is currently insufficient to determine the role of this variant in disease. Therefore, it has been classified as a Variant of Uncertain Significance.

NM_001256071.3(RNF213):c.11043G>A (p.Met3681Ile)

Genes: RNF213 (ring finger protein 213; plus strand), RNF213-AS1 (RNF213 antisense RNA 1; minus strand). Cytogenetic location: 17q25.3.
Variant type: single nucleotide variant.
Coding change: c.11043G>A on transcript NM_001256071.3 (MANE Select); coding-DNA position 11043, G replaced by A.
Protein change: p.Met3681Ile; replaces methionine 3681 with isoleucine.
Molecular consequence: missense variant.
Genome position (GRCh38, 1-based): chr17:80,358,468, G>A. VCF-style: chr17-80358468-G-A. GRCh37 (hg19) VCF-style: chr17-78332268-G-A.
Other names: c.11190G>A, p.Met3730Ile (NM_001410195.1, NM_020914.5); short protein forms M3730I, M3681I.
Identifiers: ClinVar variation 3673327 (VCV003673327.2).
Genomic context (GRCh38, chr17:80,358,468, plus strand): 5'-AAGAGATCTTTGGATGTTTATTTTCAGTGACACGATGCTTCTGAACATTCCTCTTGTGAT[G>A]AATAATGAAAGGTGAGTGGAAGGCTTTCTTTCCCTGGGGAGAGAAACTATCAGAACACAG-3'
Protein context (NP_001243000.2, residues 3671-3691): DTMLLNIPLV[Met3681Ile]NNERHKGEMA